The following is an entry in ClinVar:

ClinVar aggregate classification (germline): Conflicting classifications of pathogenicity. Review status: criteria provided, conflicting classifications (1 of 4 stars). 10 submissions from 9 submitters: Uncertain significance (7); Likely benign (1). 2 of the submissions do not count toward it. Last evaluated 2025-10-23.

Conditions:
Catecholaminergic polymorphic ventricular tachycardia (CVPT). Also called: Catecholamine-induced polymorphic ventricular tachycardia. Identifiers: Orphanet 3286, MedGen C5574922, MONDO:0017990.
Cardiovascular phenotype. Identifiers: MedGen CN230736.
Arrhythmogenic right ventricular dysplasia 2. Identifiers: MedGen C1832931.
Cardiomyopathy (CMYO). Also called: Cardiomyopathies. Identifiers: Orphanet 167848, MedGen C0878544, MONDO:0004994, HP:0001638. Inheritance: Various modes of inheritance.
Catecholaminergic polymorphic ventricular tachycardia 1. Also called: VENTRICULAR TACHYCARDIA, CATECHOLAMINERGIC POLYMORPHIC, 1, WITH OR WITHOUT ATRIAL DYSFUNCTION AND/OR DILATED CARDIOMYOPATHY; VENTRICULAR TACHYCARDIA, STRESS-INDUCED POLYMORPHIC 1; RYR2-Related Catecholaminergic Polymorphic Ventricular Tachycardia. Identifiers: Orphanet 3286, MedGen C1631597, MONDO:0011484, OMIM 604772.

Allele frequency attached by ClinVar (database versions not stated): gnomAD 0.00002 and 0.00003; gnomAD exomes 0.00002 and 0.00003; TOPMed 0.00002; ExAC 0.00004.
gnomAD v4.1: 33 of 1,595,404 alleles (0.0021%); highest among the groups gnomAD compares: Middle Eastern, 0.066%; no homozygotes.

Submissions (10):

Labcorp Genetics (formerly Invitae), Labcorp
Classification: Uncertain significance for Catecholaminergic polymorphic ventricular tachycardia 1. Last evaluated: 2025-10-23. Review status: criteria provided, single submitter. Criteria: Invitae Variant Classification Sherloc (09022015). Collection method: clinical testing. Allele origin: germline.
Comment: This sequence change replaces arginine, which is basic and polar, with glutamine, which is neutral and polar, at codon 3506 of the RYR2 protein (p.Arg3506Gln). This variant is present in population databases (rs748805290, gnomAD 0.01%). This variant has not been reported in the literature in individuals affected with RYR2-related conditions. ClinVar contains an entry for this variant (Variation ID: 296748). Invitae Evidence Modeling of protein sequence and biophysical properties (such as structural, functional, and spatial information, amino acid conservation, physicochemical variation, residue mobility, and thermodynamic stability) indicates that this missense variant is not expected to disrupt RYR2 protein function with a negative predictive value of 95%. In summary, the available evidence is currently insufficient to determine the role of this variant in disease. Therefore, it has been classified as a Variant of Uncertain Significance.

Molecular Diagnostic Laboratory for Inherited Cardiovascular Disease, Montreal Heart Institute
Classification: Uncertain significance for Cardiovascular phenotype. Last evaluated: 2025-04-08. Review status: criteria provided, single submitter. Criteria: ACMG Guidelines, 2015. Collection method: clinical testing. Allele origin: germline. Affected: yes.

Color Diagnostics, LLC DBA Color Health
Classification: Uncertain significance for Cardiomyopathy. Last evaluated: 2024-01-03. Review status: criteria provided, single submitter. Criteria: ACMG Guidelines, 2015. Collection method: clinical testing. Allele origin: germline.
Comment: This missense variant replaces arginine with glutamine at codon 3506 of the RYR2 protein. Computational prediction tools indicate that this variant has a neutral impact on protein structure and function. To our knowledge, functional studies have not been reported for this variant. This variant has not been reported in individuals affected with RYR2-related disorders in the literature. This variant has been identified in 7/248008 chromosomes in the general population by the Genome Aggregation Database (gnomAD). The available evidence is insufficient to determine the role of this variant in disease conclusively. Therefore, this variant is classified as a Variant of Uncertain Significance.

All of Us Research Program, National Institutes of Health
Classification: Uncertain significance for Catecholaminergic polymorphic ventricular tachycardia. Last evaluated: 2023-11-30. Review status: criteria provided, single submitter. Criteria: ACMG Guidelines, 2015. Collection method: clinical testing. Allele origin: germline. Inheritance: Autosomal dominant inheritance. Observed: 9 variant alleles, 9 heterozygotes.
Comment: This missense variant replaces arginine with glutamine at codon 3506 of the RYR2 protein. Computational prediction suggests that this variant may not impact protein structure and function (internally defined REVEL score threshold <= 0.5, PMID: 27666373). To our knowledge, functional studies have not been reported for this variant. This variant has not been reported in individuals affected with cardiovascular disorders in the literature. This variant has been identified in 7/248008 chromosomes in the general population by the Genome Aggregation Database (gnomAD). The available evidence is insufficient to determine the role of this variant in disease conclusively. Therefore, this variant is classified as a Variant of Uncertain Significance.

This study involves interpretation of variants in research participants for the purpose of population health screening. Participant phenotype was not available at the time of variant classification. Additional details can be found in publication PMID: 35346344, PMCID: PMC8962531

Ambry Genetics
Classification: Uncertain significance for Cardiovascular phenotype. Last evaluated: 2023-11-22. Review status: criteria provided, single submitter. Criteria: Ambry Variant Classification Scheme 2023. Collection method: clinical testing. Allele origin: germline.
Comment: The p.R3506Q variant (also known as c.10517G>A), located in coding exon 73 of the RYR2 gene, results from a G to A substitution at nucleotide position 10517. The arginine at codon 3506 is replaced by glutamine, an amino acid with highly similar properties. This amino acid position is highly conserved in available vertebrate species. In addition, the in silico prediction for this alteration is inconclusive. Since supporting evidence is limited at this time, the clinical significance of this alteration remains unclear.

GeneDx
Classification: Uncertain significance. Last evaluated: 2023-01-11. Review status: criteria provided, single submitter. Criteria: GeneDx Variant Classification Process June 2021. Collection method: clinical testing. Allele origin: germline. Affected: yes.
Comment: Has not been previously published as pathogenic or benign to our knowledge; In silico analysis supports that this missense variant has a deleterious effect on protein structure/function; Not located in one of the three hot-spot regions of the RYR2 gene, where the majority of pathogenic missense variants occur (Medeiros-Domingo et al., 2009); Reported in ClinVar as a variant of uncertain significance (ClinVar Variant ID# 296748; ClinVar); This variant is associated with the following publications: (PMID: 19926015)

Illumina Laboratory Services, Illumina
Classification: Uncertain significance for Catecholaminergic polymorphic ventricular tachycardia 1. Last evaluated: 2018-01-13. Review status: criteria provided, single submitter. Criteria: ICSL Variant Classification Criteria 13 December 2019. Collection method: clinical testing. Allele origin: germline.

Illumina Laboratory Services, Illumina
Classification: Likely benign for Catecholaminergic polymorphic ventricular tachycardia 1. Last evaluated: 2018-01-13. Review status: criteria provided, single submitter. Criteria: ICSL Variant Classification Criteria 13 December 2019. Collection method: clinical testing. Allele origin: germline.
Comment: This variant was observed in the ICSL laboratory as part of a predisposition screen in an ostensibly healthy population. It had not been previously curated by ICSL or reported in the Human Gene Mutation Database (HGMD: prior to June 1st, 2018), and was therefore a candidate for classification through an automated scoring system. Utilizing variant allele frequency, disease prevalence and penetrance estimates, and inheritance mode, an automated score was calculated to assess if this variant is too frequent to cause the disease. Based on the score and internal cut-off values, a variant classified as likely benign is not then subjected to further curation. The score for this variant resulted in a classification of likely benign for this disease.

Diagnostic Laboratory, Department of Genetics, University Medical Center Groningen
Classification: Uncertain significance. Review status: no assertion criteria provided. Collection method: clinical testing. Allele origin: germline. Affected: yes. Study: VKGL Data-share Consensus. Not counted in ClinVar's aggregate classification.

Joint Genome Diagnostic Labs from Nijmegen and Maastricht, Radboudumc and MUMC+
Classification: Uncertain significance. Review status: no assertion criteria provided. Collection method: clinical testing. Allele origin: germline. Affected: yes. Study: VKGL Data-share Consensus. Not counted in ClinVar's aggregate classification.

NM_001035.3(RYR2):c.10517G>A (p.Arg3506Gln)

Gene: RYR2 (ryanodine receptor 2; plus strand). Cytogenetic location: 1q43.
Variant type: single nucleotide variant.
Coding change: c.10517G>A on transcript NM_001035.3 (MANE Select); coding-DNA position 10517, G replaced by A.
Protein change: p.Arg3506Gln; replaces arginine 3506 with glutamine.
Molecular consequence: missense variant.
Genome position (GRCh38, 1-based): chr1:237,718,484, G>A. VCF-style: chr1-237718484-G-A. GRCh37 (hg19) VCF-style: chr1-237881784-G-A.
Other names: c.10517G>A, p.Arg3506Gln (LRG_402t1); short protein forms R3506Q.
Identifiers: ClinVar variation 296748 (VCV000296748.25), dbSNP rs748805290, ClinGen allele CA084368.